The following is an entry in ClinVar:

NM_002693.3(POLG):c.2543G>A (p.Gly848Asp)

Gene: POLG (DNA polymerase gamma, catalytic subunit; minus strand). Cytogenetic location: 15q26.1.
Variant type: single nucleotide variant.
Coding change: c.2543G>A on transcript NM_002693.3 (MANE Select); coding-DNA position 2543, G replaced by A.
Protein change: p.Gly848Asp; replaces glycine 848 with aspartic acid.
Molecular consequence: missense variant.
Genome position (GRCh38, 1-based): chr15:89,321,791, C>T on the plus strand (G>A on the coding strand, the complement: POLG is on the minus strand). VCF-style: chr15-89321791-C-T. GRCh37 (hg19) VCF-style: chr15-89865022-C-T.
Other names: c.2543G>A, p.Gly848Asp (NM_001126131.2); short protein forms G848D.
Identifiers: ClinVar variation 4526266 (VCV004526266.1).
Genomic context (GRCh38, chr15:89,321,791, plus strand): 5'-CATACCCGGGCATTGCTGGCGGTGAGCCATGTGGGCTCCACAGCCCGGCGAGTGATGGTG[C>T]CGGCAGTCACCACTTGGGGCAGGATGGCCCCATAGAGGCCTTCCTCATCATAGTCGGGGT-3'
Protein context (NP_002684.1, residues 838-858): GAILPQVVTA[Gly848Asp]TITRRAVEPT

ClinVar aggregate classification (germline): Uncertain significance (1 of 4 stars; one submission).

gnomAD v4.1: 1 of 1,614,120 alleles (0.000062%); highest among the groups gnomAD compares: Non-Finnish European, 0.000085%; no homozygotes.

Submission:

Women's Health and Genetics/Laboratory Corporation of America, LabCorp
Classification: Uncertain significance. Last evaluated: 2025-07-23. Review status: criteria provided, single submitter. Criteria: LabCorp Variant Classification Summary - May 2015. Collection method: clinical testing. Allele origin: germline.
Comment: Variant summary: POLG c.2543G>A (p.Gly848Asp) results in a non-conservative amino acid change in the encoded protein sequence. Algorithms developed to predict the effect of missense changes on protein structure and function all suggest that this variant is likely to be disruptive. The variant was absent in 251408 control chromosomes (gnomAD). The available data on variant occurrences in the general population are insufficient to allow any conclusion about variant significance. To our knowledge, no occurrence of c.2543G>A in individuals affected with Mitochondrial DNA Depletion Syndrome - POLG Related and no experimental evidence demonstrating its impact on protein function have been reported. A different variant affecting the same codon has been classified as pathogenic by our lab (c.2542G>A, p.Gly848Ser). No submitters have cited clinical-significance assessments for this variant to ClinVar. Based on the evidence outlined above, the variant was classified as uncertain significance.